The following is an entry in ClinVar:

ClinVar aggregate classification (germline): Uncertain significance (1 of 4 stars; one submission).

Conditions:
Inborn genetic diseases. Identifiers: MedGen C0950123, MeSH D030342.

Submission:

Ambry Genetics
Classification: Uncertain significance for Inborn genetic diseases. Last evaluated: 2025-01-19. Review status: criteria provided, single submitter. Criteria: Ambry Variant Classification Scheme 2023. Collection method: clinical testing. Allele origin: germline.
Comment: The p.L499V variant (also known as c.1495C>G), located in coding exon 9 of the RECQL4 gene, results from a C to G substitution at nucleotide position 1495. The leucine at codon 499 is replaced by valine, an amino acid with highly similar properties. This amino acid position is conserved. In addition, the in silico prediction for this alteration is inconclusive. Based on the available evidence, the clinical significance of this variant remains unclear.

NM_004260.4(RECQL4):c.1495C>G (p.Leu499Val)

Gene: RECQL4 (RecQ like helicase 4; minus strand). Cytogenetic location: 8q24.3.
Variant type: single nucleotide variant.
Coding change: c.1495C>G on transcript NM_004260.4 (MANE Select); coding-DNA position 1495, C replaced by G.
Protein change: p.Leu499Val; replaces leucine 499 with valine.
Molecular consequence: missense variant. On other transcripts: non-coding transcript variant (3), intron variant (2).
Genome position (GRCh38, 1-based): chr8:144,515,061, G>C on the plus strand (C>G on the coding strand, the complement: RECQL4 is on the minus strand). VCF-style: chr8-144515061-G-C. GRCh37 (hg19) VCF-style: chr8-145740445-G-C.
Other names: c.1399C>G, p.Leu467Val (NM_001413017.1, NM_001413020.1); c.1495C>G, p.Leu499Val (NM_001413018.1, NM_001413019.1, NM_001413033.1 and 1 more transcripts); c.424C>G, p.Leu142Val (NM_001413021.1, NM_001413022.1, NM_001413023.1 and 7 more transcripts); c.1366C>G, p.Leu456Val (NM_001413025.1); c.358C>G, p.Leu120Val (NM_001413027.1, NM_001413030.1, NM_001413031.1 and 2 more transcripts); c.1144C>G, p.Leu382Val (NM_001413029.1); c.28C>G, p.Leu10Val (NM_001413043.1); c.1484-19C>G (NM_001413039.1); and 1 more; short protein forms L142V, L456V, L467V, L499V, L10V, L120V, L382V.
Identifiers: ClinVar variation 3788001 (VCV003788001.1).